The following is an entry in ClinVar:

NM_018474.6(KIZ):c.1440AGA[1] (p.Glu482del)

Genes: KIZ (kizuna centrosomal protein; plus strand), KIZ-AS1 (KIZ antisense RNA 1; minus strand). Cytogenetic location: 20p11.23.
Variant type: Microsatellite.
Coding change: c.1440AGA[1] on transcript NM_018474.6 (MANE Select); one copy of the 3-base unit AGA starting at c.1440; the reference has two copies in a row; one copy, 3 bases deleted.
Protein change: p.Glu482del; deletes glutamic acid 482.
Molecular consequence: inframe deletion. On other transcripts: intron variant (2).
Genome position (GRCh38, 1-based): chr20:21,205,581-21,205,583, AGA deleted; deleting any 3 consecutive bases within chr20:21,205,577-21,205,583 gives the same sequence; the position shown is the placement nearest the transcript's 3' end. VCF-style (leftmost placement, unchanged base first): chr20-21205576-AAAG-A. GRCh37 (hg19) VCF-style: chr20-21186214-AAAG-A.
Other names: c.1131AGA[1], p.Glu379del (NM_001163022.3); c.1041AGA[1], p.Glu349del (NM_001163023.3); c.1293AGA[1], p.Glu433del (NM_001276389.2); c.1098AGA[1], p.Glu368del (NM_001352436.2); c.1392+51_1392+53del (NM_001352434.2); c.1083+51_1083+53del (NM_001352435.2); short protein forms E349del, E379del, E433del, E482del, E368del.
Identifiers: ClinVar variation 4695753 (VCV004695753.1).
Genomic context (GRCh38, chr20:21,205,576, plus strand): 5'-GTACCGAGGGCACAGGTGGGTCAGCATGTTGCCACCTTGAAAGAACATGATAATTCTGTC[AAAG>A]AAGAGGTAGGTAGCTAAACTGTCTGAAGTTTTCCCAATCACAAATGTGGACCACAGGGTA-3'

ClinVar aggregate classification (germline): Uncertain significance (1 of 4 stars; one submission).

Submission:

Labcorp Genetics (formerly Invitae), Labcorp
Classification: Uncertain significance. Last evaluated: 2025-07-20. Review status: criteria provided, single submitter. Criteria: Invitae Variant Classification Sherloc (09022015). Collection method: clinical testing. Allele origin: germline.
Comment: This variant, c.1443_1445del, results in the deletion of 1 amino acid(s) of the KIZ protein (p.Glu482del), but otherwise preserves the integrity of the reading frame. This variant is not present in population databases (gnomAD no frequency). This variant has not been reported in the literature in individuals affected with KIZ-related conditions. Experimental studies and prediction algorithms are not available or were not evaluated, and the functional significance of this variant is currently unknown. In summary, the available evidence is currently insufficient to determine the role of this variant in disease. Therefore, it has been classified as a Variant of Uncertain Significance.